The following is an entry in ClinVar:

ClinVar aggregate classification (germline): Pathogenic. Review status: criteria provided, single submitter (1 of 4 stars). 2 submissions from 2 submitters: Pathogenic (1). 1 of the submissions does not count toward it. Last evaluated 2022-09-01.

Conditions:
Ornithine carbamoyltransferase deficiency (OTCD). Also called: ORNITHINE TRANSCARBAMYLASE DEFICIENCY, HYPERAMMONEMIA DUE TO; ORNITHINE TRANSCARBAMYLASE DEFICIENCY; OTC DEFICIENCY; Ornithine Carbamoyltransferase Deficiency Disease. Identifiers: Orphanet 664, MedGen C0268542, MONDO:0010703, OMIM 311250.

Submissions (2):

3billion
Classification: Pathogenic for Ornithine carbamoyltransferase deficiency. Last evaluated: 2022-09-01. Review status: criteria provided, single submitter. Criteria: ACMG Guidelines, 2015. Collection method: clinical testing. Allele origin: germline. Affected: yes. Observed: 1 hemizygote.
Comment: The variant is not observed in the gnomAD v2.1.1 dataset. Frameshift variant is predicted to result in a loss or disruption of normal protein function through nonsense-mediated decay (NMD) or protein truncation. Multiple pathogenic variants are reported downstream of the variant. The variant has been reported to be associated with OTC-related disorder (ClinVar ID: VCV000097111 / PMID: 9452049). Therefore, this variant is classified as Pathogenic according to the recommendation of ACMG/AMP guideline.

GenMed Metabolism Lab
Classification: Pathogenic. Review status: no assertion criteria provided. Collection method: not provided. Allele origin: unknown. Not counted in ClinVar's aggregate classification.
Comment: Frameshift, Neonatal
ClinVar note: Converted during submission from pathogenic to Pathogenic.

Literature cited by the submitters: PubMed 9452049 (cited by 3billion).

NM_000531.6(OTC):c.140del (p.Asn47fs)

Gene: OTC (ornithine transcarbamylase; plus strand). Cytogenetic location: Xp11.4.
Variant type: Deletion.
Coding change: c.140del on transcript NM_000531.6 (MANE Select); coding-DNA position 140, one base deleted (A; older notation c.140delA).
Protein change: p.Asn47fs; shifts the reading frame from asparagine 47.
Molecular consequence: frameshift variant.
Genome position (GRCh38, 1-based): chrX:38,367,353, A deleted; the last of 6 consecutive A bases (chrX:38,367,348-38,367,353); deleting any one gives the same sequence. VCF-style (leftmost placement, unchanged base first): chrX-38367347-TA-T. GRCh37 (hg19) VCF-style: chrX-38226600-TA-T.
Other names: short protein forms N47fs.
Identifiers: ClinVar variation 97111 (VCV000097111.3), dbSNP rs72554313, ClinGen allele CA224462.